The following is an entry in ClinVar:

NM_181303.2(NLGN3):c.1429C>G (p.Leu477Val)

Gene: NLGN3 (neuroligin 3; plus strand). Cytogenetic location: Xq13.1.
Variant type: single nucleotide variant.
Coding change: c.1429C>G on transcript NM_181303.2 (MANE Select); coding-DNA position 1429, C replaced by G.
Protein change: p.Leu477Val; replaces leucine 477 with valine.
Molecular consequence: missense variant.
Genome position (GRCh38, 1-based): chrX:71,167,526, C>G. VCF-style: chrX-71167526-C-G. GRCh37 (hg19) VCF-style: chrX-70387376-C-G.
Other names: c.1309C>G, p.Leu437Val (NM_001166660.2); c.1018C>G, p.Leu340Val (NM_001321276.2); c.1369C>G, p.Leu457Val (NM_018977.4); short protein forms L340V, L437V, L457V, L477V.
Identifiers: ClinVar variation 1698659 (VCV001698659.1), dbSNP rs2147908332, ClinGen allele CA413562777.
Genomic context (GRCh38, chrX:71,167,526, plus strand): 5'-ATGTATACAGACTGGGCAGACCGTGACAACCCTGAGACCCGCCGTAAAACACTGGTGGCA[C>G]TCTTCACTGACCACCAGTGGGTGGAGCCCTCAGTGGTGACAGCCGATCTGCATGCCCGCT-3'
Protein context (NP_851820.1, residues 467-487): PETRRKTLVA[Leu477Val]FTDHQWVEPS

ClinVar aggregate classification (germline): Uncertain significance (1 of 4 stars; one submission).

Submission:

Women's Health and Genetics/Laboratory Corporation of America, LabCorp
Classification: Uncertain significance. Last evaluated: 2022-06-02. Review status: criteria provided, single submitter. Criteria: LabCorp Variant Classification Summary - May 2015. Collection method: clinical testing. Allele origin: germline.
Comment: Variant summary: NLGN3 c.1369C>G (p.Leu457Val) results in a conservative amino acid change located in the Carboxylesterase, type B domain of the encoded protein sequence. Three of five in-silico tools predict a benign effect of the variant on protein function. The variant was absent in 183259 control chromosomes. The available data on variant occurrences in the general population are insufficient to allow any conclusion about variant significance. To our knowledge, no occurrence of c.1369C>G in individuals affected with Autism Susceptibility, X-Linked and no experimental evidence demonstrating its impact on protein function have been reported. No clinical diagnostic laboratories have submitted clinical-significance assessments for this variant to ClinVar after 2014. Based on the evidence outlined above, the variant was classified as uncertain significance